The following is an entry in ClinVar:

ClinVar aggregate classification (germline): Uncertain significance. Review status: criteria provided, multiple submitters, no conflicts (2 of 4 stars). 2 submissions from 2 submitters: Uncertain significance (2). Last evaluated 2023-06-01.

Allele frequency attached by ClinVar (database versions not stated): gnomAD exomes below 0.00001.
gnomAD v4.1: 1 of 1,614,238 alleles (0.000062%); highest among the groups gnomAD compares: Non-Finnish European, 0.000085%; no homozygotes.

Submissions (2):

Ambry Genetics
Classification: Uncertain significance. Last evaluated: 2023-06-01. Review status: criteria provided, single submitter. Criteria: Ambry Variant Classification Scheme 2023. Collection method: clinical testing. Allele origin: germline.
Comment: The p.S646C variant (also known as c.1936A>T), located in coding exon 13 of the RINT1 gene, results from an A to T substitution at nucleotide position 1936. The serine at codon 646 is replaced by cysteine, an amino acid with dissimilar properties. This amino acid position is conserved. In addition, this alteration is predicted to be tolerated by in silico analysis. Since supporting evidence is limited at this time, the clinical significance of this alteration remains unclear.

Labcorp Genetics (formerly Invitae), Labcorp
Classification: Uncertain significance. Last evaluated: 2018-05-07. Review status: criteria provided, single submitter. Criteria: Invitae Variant Classification Sherloc (09022015). Collection method: clinical testing. Allele origin: germline.
Comment: In summary, the available evidence is currently insufficient to determine the role of this variant in disease. Therefore, it has been classified as a Variant of Uncertain Significance. Algorithms developed to predict the effect of missense changes on protein structure and function do not agree on the potential impact of this missense change (SIFT: "Tolerated"; PolyPhen-2: "Probably Damaging"; Align-GVGD: "Class C0"). This variant has not been reported in the literature in individuals with RINT1-related disease. This variant is not present in population databases (ExAC no frequency). This sequence change replaces serine with cysteine at codon 646 of the RINT1 protein (p.Ser646Cys). The serine residue is highly conserved and there is a moderate physicochemical difference between serine and cysteine.

NM_021930.6(RINT1):c.1936A>T (p.Ser646Cys)

Genes: EFCAB10 (EF-hand calcium binding domain 10; minus strand), RINT1 (RAD50 interactor 1; plus strand). Cytogenetic location: 7q22.3.
Variant type: single nucleotide variant.
Coding change: c.1936A>T on transcript NM_021930.6 (MANE Select); coding-DNA position 1936, A replaced by T.
Protein change: p.Ser646Cys; replaces serine 646 with cysteine.
Molecular consequence: missense variant. On other transcripts: 3 prime UTR variant (3), non-coding transcript variant (1).
Genome position (GRCh38, 1-based): chr7:105,565,326, A>T. VCF-style: chr7-105565326-A-T. GRCh37 (hg19) VCF-style: chr7-105205773-A-T.
Other names: c.*121T>A (NM_001355526.2); c.*223T>A (NM_001355530.2); c.*76T>A (NM_001355531.2); c.1702A>T, p.Ser568Cys (NM_001346599.2); c.913A>T, p.Ser305Cys (NM_001346600.2, NM_001346603.2); c.1012A>T, p.Ser338Cys (NM_001346601.2); short protein forms S305C, S338C, S568C, S646C.
Identifiers: ClinVar variation 999053 (VCV000999053.10), dbSNP rs1791661472, ClinGen allele CA368814736.